The following is an entry in ClinVar:

ClinVar aggregate classification (germline): Uncertain significance. Review status: criteria provided, multiple submitters, no conflicts (2 of 4 stars). 3 submissions from 3 submitters: Uncertain significance (3). Last evaluated 2026-07-06.

Conditions:
ABCG8-related disorder. Also called: ABCG8-related condition.

gnomAD v4.1: 239 of 1,614,016 alleles (0.015%); highest among the groups gnomAD compares: Non-Finnish European, 0.019%; no homozygotes.

Submissions (3):

PreventionGenetics, part of Exact Sciences
Classification: Uncertain significance for ABCG8-related condition. Last evaluated: 2026-07-06. Review status: criteria provided, single submitter. Criteria: ACMG Guidelines, 2015. Collection method: clinical testing. Allele origin: germline.
Comment: The ABCG8 c.695G>T variant is predicted to result in the amino acid substitution p.Gly232Val. This variant has been reported as a variant of uncertain significance in a targeted study of dyslipidemias (Table S3 & S4, Dron et al. 2020. PubMed ID: 32041611). This variant is reported in 0.0086% of alleles in individuals of European (Non-Finnish) descent in gnomAD. At this time, the clinical significance of this variant is uncertain due to the absence of conclusive functional and genetic evidence.

Labcorp Genetics (formerly Invitae), Labcorp
Classification: Uncertain significance. Last evaluated: 2025-12-01. Review status: criteria provided, single submitter. Criteria: Invitae Variant Classification Sherloc (09022015). Collection method: clinical testing. Allele origin: germline.
Comment: This sequence change replaces glycine, which is neutral and non-polar, with valine, which is neutral and non-polar, at codon 232 of the ABCG8 protein (p.Gly232Val). This variant is present in population databases (rs776775584, gnomAD 0.008%). This missense change has been observed in individual(s) with dyslipidemia (PMID: 32041611). ClinVar contains an entry for this variant (Variation ID: 3895643). An algorithm developed to predict the effect of missense changes on protein structure and function (PolyPhen-2) suggests that this variant is likely to be disruptive. Algorithms developed to predict the effect of sequence changes on RNA splicing suggest that this variant may disrupt the consensus splice site. In summary, the available evidence is currently insufficient to determine the role of this variant in disease. Therefore, it has been classified as a Variant of Uncertain Significance.

Women's Health and Genetics/Laboratory Corporation of America, LabCorp
Classification: Uncertain significance. Last evaluated: 2025-03-31. Review status: criteria provided, single submitter. Criteria: LabCorp Variant Classification Summary - May 2015. Collection method: clinical testing. Allele origin: germline.
Comment: Variant summary: ABCG8 c.695G>T (p.Gly232Val) results in a non-conservative amino acid change in the encoded protein sequence. Four of five in-silico tools predict a damaging effect of the variant on protein function. Several computational tools predict a significant impact on normal splicing: One predict the variant weakens a canonical 3' acceptor site. Two predict the variant abolishes a canonical 3' acceptor site. However, these predictions have yet to be confirmed by functional studies. The variant allele was found at a frequency of 3.2e-05 in 250928 control chromosomes. The available data on variant occurrences in the general population are insufficient to allow any conclusion about variant significance. c.695G>T has been reported in the literature in at-least one individual affected with sitosterolaemia (Dron_2020) . These report(s) do not provide unequivocal conclusions about association of the variant with Early Onset Coronary Artery Disease. To our knowledge, no experimental evidence demonstrating an impact on protein function has been reported. The following publication has been ascertained in the context of this evaluation (PMID: 32041611). No submitters have cited clinical-significance assessments for this variant to ClinVar. Based on the evidence outlined above, the variant was classified as uncertain significance.

Literature cited by the submitters: PubMed 32041611 (cited by Labcorp Genetics (formerly Invitae), Labcorp and Women's Health and Genetics/Laboratory Corporation of America, LabCorp).

NM_022437.3(ABCG8):c.695G>T (p.Gly232Val)

Gene: ABCG8 (ATP binding cassette subfamily G member 8; plus strand). Cytogenetic location: 2p21.
Variant type: single nucleotide variant.
Coding change: c.695G>T on transcript NM_022437.3 (MANE Select); coding-DNA position 695, G replaced by T.
Protein change: p.Gly232Val; replaces glycine 232 with valine.
Molecular consequence: missense variant.
Genome position (GRCh38, 1-based): chr2:43,852,599, G>T. VCF-style: chr2-43852599-G-T. GRCh37 (hg19) VCF-style: chr2-44079738-G-T.
Other names: c.695G>T (NM_022437.2); c.695G>T, p.Gly232Val (NM_001357321.2); short protein forms G232V.
Identifiers: ClinVar variation 3895643 (VCV003895643.3).